The following is an entry in ClinVar:

NM_001099403.2(PRDM8):c.1647C>T (p.Leu549=)

Gene: PRDM8 (PR/SET domain 8; plus strand). Cytogenetic location: 4q21.21.
Variant type: single nucleotide variant.
Coding change: c.1647C>T on transcript NM_001099403.2 (MANE Select); coding-DNA position 1647, C replaced by T.
Protein change: p.Leu549=; no amino-acid change (leucine 549 retained).
Molecular consequence: synonymous variant.
Genome position (GRCh38, 1-based): chr4:80,203,109, C>T. VCF-style: chr4-80203109-C-T. GRCh37 (hg19) VCF-style: chr4-81124263-C-T.
Other names: c.1647C>T, p.Leu549= (NM_020226.4).
Identifiers: ClinVar variation 725961 (VCV000725961.40), dbSNP rs770130991, ClinGen allele CA2982422.

ClinVar aggregate classification (germline): Likely benign. Review status: criteria provided, multiple submitters, no conflicts (2 of 4 stars). 3 submissions from 3 submitters: Likely benign (3). Last evaluated 2025-02-17.

Conditions:
Early-onset Lafora body disease. Also called: Epilepsy, progressive myoclonic, 10. Identifiers: Orphanet 324290, MedGen C4225258, MONDO:0014717, OMIM 616640.

Allele frequency attached by ClinVar (database versions not stated): TOPMed 0.00004; gnomAD 0.00005 and 0.00007; gnomAD exomes 0.00008 and 0.00009; ExAC 0.00013.
gnomAD v4.1: 132 of 1,570,474 alleles (0.0084%); highest among the groups gnomAD compares: Middle Eastern, 0.33%; no homozygotes.

Submissions (3):

Labcorp Genetics (formerly Invitae), Labcorp
Classification: Likely benign for Early-onset Lafora body disease. Last evaluated: 2025-02-17. Review status: criteria provided, single submitter. Criteria: Invitae Variant Classification Sherloc (09022015). Collection method: clinical testing. Allele origin: germline.

CeGaT Center for Human Genetics Tuebingen
Classification: Likely benign. Last evaluated: 2022-08-01. Review status: criteria provided, single submitter. Criteria: CeGaT Center For Human Genetics Tuebingen Variant Classification Criteria Version 2. Collection method: clinical testing. Allele origin: germline. Affected: yes. Observed: 1 variant allele.
Comment: PRDM8: BP4, BP7

Breakthrough Genomics
Classification: Likely benign. Review status: criteria provided, single submitter. Criteria: ACMG Guidelines, 2015. Collection method: not provided. Allele origin: germline. Inheritance: Autosomal recessive inheritance. Affected: yes.